The following is an entry in ClinVar:

NM_001854.4(COL11A1):c.1487C>T (p.Pro496Leu)

Gene: COL11A1 (collagen type XI alpha 1 chain; minus strand). Cytogenetic location: 1p21.1.
Variant type: single nucleotide variant.
Coding change: c.1487C>T on transcript NM_001854.4 (MANE Select); coding-DNA position 1487, C replaced by T.
Protein change: p.Pro496Leu; replaces proline 496 with leucine.
Molecular consequence: missense variant. On other transcripts: non-coding transcript variant (1).
Genome position (GRCh38, 1-based): chr1:103,015,669, G>A on the plus strand (C>T on the coding strand, the complement: COL11A1 is on the minus strand). VCF-style: chr1-103015669-G-A. GRCh37 (hg19) VCF-style: chr1-103481225-G-A.
Other names: c.1370C>T, p.Pro457Leu (NM_001190709.2); c.1523C>T, p.Pro508Leu (NM_080629.3); c.1139C>T, p.Pro380Leu (NM_080630.4); short protein forms P380L, P457L, P496L, P508L.
Identifiers: ClinVar variation 1527953 (VCV001527953.7), dbSNP rs371793829, ClinGen allele CA974970.

ClinVar aggregate classification (germline): Uncertain significance. Review status: criteria provided, multiple submitters, no conflicts (2 of 4 stars). 2 submissions from 2 submitters: Uncertain significance (2). Last evaluated 2025-11-23.

Conditions:
Stickler syndrome type 2 (STL2). Also called: STICKLER SYNDROME, BEADED VITREOUS TYPE; STICKLER SYNDROME, VITREOUS TYPE 2; STICKLER SYNDROME, TYPE II; COL11A1-Related Stickler Syndrome. Identifiers: Orphanet 828, Orphanet 90654, MedGen C1858084, MONDO:0011493, OMIM 604841.

Allele frequency attached by ClinVar (database versions not stated): gnomAD 0.00001 and 0.00002; gnomAD exomes 0.00002; TOPMed 0.00002; ExAC 0.00005; ESP Exome Variant Server 0.00008.
gnomAD v4.1: 21 of 1,603,080 alleles (0.0013%); highest among the groups gnomAD compares: East Asian, 0.0022%; no homozygotes.

Submissions (2):

Labcorp Genetics (formerly Invitae), Labcorp
Classification: Uncertain significance. Last evaluated: 2025-11-23. Review status: criteria provided, single submitter. Criteria: Invitae Variant Classification Sherloc (09022015). Collection method: clinical testing. Allele origin: germline.
Comment: This sequence change replaces proline, which is neutral and non-polar, with leucine, which is neutral and non-polar, at codon 496 of the COL11A1 protein (p.Pro496Leu). The frequency data for this variant in the population databases is considered unreliable, as metrics indicate poor data quality at this position in the gnomAD database. This variant has not been reported in the literature in individuals affected with COL11A1-related conditions. ClinVar contains an entry for this variant (Variation ID: 1527953). An algorithm developed to predict the effect of missense changes on protein structure and function (PolyPhen-2) suggests that this variant is likely to be disruptive. In summary, the available evidence is currently insufficient to determine the role of this variant in disease. Therefore, it has been classified as a Variant of Uncertain Significance.

Provincial Medical Genetics Program of British Columbia, University of British Columbia
Classification: Uncertain significance for Stickler syndrome type 2. Last evaluated: 2022-01-01. Review status: criteria provided, single submitter. Criteria: ACMG Guidelines, 2015. Collection method: clinical testing. Allele origin: germline. Affected: yes.